The following is an entry in ClinVar:

ClinVar aggregate classification (germline): Likely pathogenic (1 of 4 stars; one submission).

Conditions:
Joubert syndrome 21 (JBTS21). Identifiers: MedGen C3810212, MONDO:0014288, OMIM 615636.

Submission:

Dasa
Classification: Likely pathogenic for Joubert syndrome 21. Last evaluated: 2025-10-09. Review status: criteria provided, single submitter. Criteria: DASA Assertion Criteria. Collection method: clinical testing. Allele origin: germline.
Comment: NM_001382391.1(CSPP1):c.845dup (p.Ser283Lysfs*2) is a frameshift variant in CSPP1 predicted to alter the reading frame and introduce a premature termination codon and is predicted to result in an absent or altered protein product. Loss of function is an established disease mechanism for CSPP1-associated disorders. Also, this variant is absent from population databases. Based on the currently available evidence, this variant is classified as likely pathogenic.

NM_001382391.1(CSPP1):c.845dup (p.Ser283fs)

Gene: CSPP1 (centrosome and spindle pole associated protein 1; plus strand). Cytogenetic location: 8q13.1.
Variant type: Duplication.
Coding change: c.845dup on transcript NM_001382391.1 (MANE Select); coding-DNA position 845, one base duplicated (T; older notation c.845dupT).
Protein change: p.Ser283fs; shifts the reading frame from serine 283.
Molecular consequence: frameshift variant. On other transcripts: 5 prime UTR variant (1).
Genome position (GRCh38, 1-based): chr8:67,095,654, T duplicated. VCF-style (leftmost placement, unchanged base first): chr8-67095653-G-GT. GRCh37 (hg19) VCF-style: chr8-68007888-G-GT.
Other names: c.-11dup (NM_001291339.2); c.764dup, p.Ser256fs (NM_001363131.2, NM_001363133.2); c.845dup, p.Ser283fs (NM_001363132.2); c.953dup, p.Ser319fs (NM_001364869.1); c.872dup, p.Ser292fs (NM_001364870.1, NM_001438330.1, NM_001438331.1 and 2 more transcripts); short protein forms S292fs, S319fs, S256fs, S283fs.
Identifiers: ClinVar variation 4884272 (VCV004884272.2).
Genomic context (GRCh38, chr8:67,095,653, plus strand): 5'-AGATTTAATGAGGATCGTGTTTTTGATAGACGGTATCATAGACCAGACCAAGATCCTGAA[G>GT]TAAGTGAAGAAATGGATGAGAGGTTTAGATATGAAAGTGATTTTGATAGAAGACTTTCGA-3'